The following is an entry in ClinVar:

ClinVar aggregate classification (germline): Benign/Likely benign. Review status: criteria provided, multiple submitters, no conflicts (2 of 4 stars). 7 submissions from 7 submitters: Benign (1); Likely benign (6). Last evaluated 2026-01-05.

Conditions:
Cardiac arrhythmia. Also called: Cardiac rhythm disease; Arrhythmia. Identifiers: MedGen C0003811, MONDO:0007263, HP:0011675.
Cardiovascular phenotype. Identifiers: MedGen CN230736.
Long QT syndrome (LQTS). Identifiers: MedGen C0023976, MeSH D008133, MONDO:0002442. Disease mechanism: loss of function. Inheritance: Various modes of inheritance.

Allele frequency attached by ClinVar (database versions not stated): gnomAD 0.00006; ExAC 0.00010; ESP Exome Variant Server 0.00015; 1000 Genomes Project 0.00020; 1000 Genomes Project 30x 0.00031.
gnomAD v4.1: 182 of 1,614,102 alleles (0.011%); highest among the groups gnomAD compares: Admixed American, 0.027%; no homozygotes.

Submissions (7):

Labcorp Genetics (formerly Invitae), Labcorp
Classification: Likely benign for Long QT syndrome. Last evaluated: 2026-01-05. Review status: criteria provided, single submitter. Criteria: Invitae Variant Classification Sherloc (09022015). Collection method: clinical testing. Allele origin: germline.

Women's Health and Genetics/Laboratory Corporation of America, LabCorp
Classification: Likely benign. Last evaluated: 2024-09-14. Review status: criteria provided, single submitter. Criteria: LabCorp Variant Classification Summary - May 2015. Collection method: clinical testing. Allele origin: germline.

All of Us Research Program, National Institutes of Health
Classification: Likely benign for Long QT syndrome. Last evaluated: 2023-12-13. Review status: criteria provided, single submitter. Criteria: ACMG Guidelines, 2015. Collection method: clinical testing. Allele origin: germline. Inheritance: Autosomal dominant inheritance. Observed: 13 variant alleles, 13 heterozygotes.
Comment: This study involves interpretation of variants in research participants for the purpose of population health screening. Participant phenotype was not available at the time of variant classification. Additional details can be found in publication PMID: 35346344, PMCID: PMC8962531

Blueprint Genetics
Classification: Likely benign. Last evaluated: 2020-08-31. Review status: criteria provided, single submitter. Criteria: ACMG Guidelines, 2015. Collection method: clinical testing. Allele origin: germline.

Color Diagnostics, LLC DBA Color Health
Classification: Likely benign for Arrhythmia. Last evaluated: 2019-07-02. Review status: criteria provided, single submitter. Criteria: ACMG Guidelines, 2015. Collection method: clinical testing. Allele origin: germline.

Ambry Genetics
Classification: Likely benign for Cardiovascular phenotype. Last evaluated: 2018-12-31. Review status: criteria provided, single submitter. Criteria: Ambry Variant Classification Scheme 2023. Collection method: clinical testing. Allele origin: germline.

GeneDx
Classification: Benign. Last evaluated: 2014-10-21. Review status: criteria provided, single submitter. Criteria: GeneDx Variant Classification (06012015). Collection method: clinical testing. Allele origin: germline. Affected: yes.
Comment: This variant is considered likely benign or benign based on one or more of the following criteria: it is a conservative change, it occurs at a poorly conserved position in the protein, it is predicted to be benign by multiple in silico algorithms, and/or has population frequency not consistent with disease.

NM_000238.4(KCNH2):c.1683G>A (p.Ala561=)

Gene: KCNH2 (potassium voltage-gated channel subfamily H member 2; minus strand). Cytogenetic location: 7q36.1.
Variant type: single nucleotide variant.
Coding change: c.1683G>A on transcript NM_000238.4 (MANE Select); coding-DNA position 1683, G replaced by A.
Protein change: p.Ala561=; no amino-acid change (alanine 561 retained).
Molecular consequence: synonymous variant. On other transcripts: non-coding transcript variant (2).
Genome position (GRCh38, 1-based): chr7:150,951,710, C>T on the plus strand (G>A on the coding strand, the complement: KCNH2 is on the minus strand). VCF-style: chr7-150951710-C-T. GRCh37 (hg19) VCF-style: chr7-150648798-C-T.
Other names: p.A561A:GCG>GCA; c.663G>A, p.Ala221= (NM_001204798.2, NM_172057.3); c.1395G>A, p.Ala465= (NM_001406753.1, NM_001406756.1); c.1506G>A, p.Ala502= (NM_001406755.1); c.1383G>A, p.Ala461= (NM_001406757.1); c.1683G>A, p.Ala561= (NM_172056.3).
Identifiers: ClinVar variation 200226 (VCV000200226.22), dbSNP rs140366118, ClinGen allele CA005043.